The following is an entry in ClinVar:

ClinVar aggregate classification (germline): Conflicting classifications of pathogenicity. Review status: criteria provided, conflicting classifications (1 of 4 stars). 9 submissions from 9 submitters: Uncertain significance (1); Benign (1); Likely benign (7). Last evaluated 2026-01-28.

Conditions:
Autosomal recessive limb-girdle muscular dystrophy type 2L (LGMDR12). Also called: Limb-girdle muscular dystrophy, type 2L; Limb-Girdle Muscular Dystrophy R12 Anoctamin-5-Related (LGMD-R12); MUSCULAR DYSTROPHY, LIMB-GIRDLE, AUTOSOMAL RECESSIVE 12. Identifiers: Orphanet 206549, MedGen C1969785, MONDO:0012652, OMIM 611307.
Gnathodiaphyseal dysplasia (GDD). Also called: GNATHODIAPHYSEAL SCLEROSIS; OSTEOGENESIS IMPERFECTA WITH UNUSUAL SKELETAL LESIONS. Identifiers: Orphanet 53697, MedGen C1833736, MONDO:0008151, OMIM 166260.
ANO5-Related Muscle Diseases. Identifiers: MedGen CN180644.

Allele frequency attached by ClinVar (database versions not stated): gnomAD exomes 0.00076; ExAC 0.00088; 1000 Genomes Project 30x 0.00187; 1000 Genomes Project 0.00220; ESP Exome Variant Server 0.00292; gnomAD 0.00295 and 0.00320; TOPMed 0.00315.
gnomAD v4.1: 895 of 1,613,114 alleles (0.055%); highest among the groups gnomAD compares: African/African-American, 1.1%; 6 homozygotes.

Submissions (11):

Labcorp Genetics (formerly Invitae), Labcorp
Classification: Likely benign for Autosomal recessive limb-girdle muscular dystrophy type 2L; Gnathodiaphyseal dysplasia. Last evaluated: 2026-01-28. Review status: criteria provided, single submitter. Criteria: Invitae Variant Classification Sherloc (09022015). Collection method: clinical testing. Allele origin: germline.

Mayo Clinic Laboratories, Mayo Clinic
Classification: Likely benign. Last evaluated: 2025-09-16. Review status: criteria provided, single submitter. Criteria: ACMG Guidelines, 2015. Collection method: clinical testing. Allele origin: germline. Observed: 7 variant alleles.
Comment: BS1, BP4

Blueprint Genetics
Classification: Likely benign. Last evaluated: 2024-09-18. Review status: criteria provided, single submitter. Criteria: ACMG Guidelines, 2015. Collection method: clinical testing. Allele origin: germline.

Athena Diagnostics
Classification: Likely benign. Last evaluated: 2020-06-24. Review status: criteria provided, single submitter. Criteria: Athena Diagnostics Criteria. Collection method: clinical testing. Allele origin: unknown.

GeneDx
Classification: Benign. Last evaluated: 2019-08-02. Review status: criteria provided, single submitter. Criteria: GeneDx Variant Classification Process June 2021. Collection method: clinical testing. Allele origin: germline. Affected: yes.

Mendelics
Classification: Likely benign for Gnathodiaphyseal dysplasia. Last evaluated: 2019-05-28. Review status: criteria provided, single submitter. Criteria: Mendelics Assertion Criteria 2017. Collection method: clinical testing. Allele origin: unknown.

Illumina Laboratory Services, Illumina
Classification: Likely benign for ANO5-Related Muscle Diseases. Last evaluated: 2018-01-12. Review status: criteria provided, single submitter. Criteria: ICSL Variant Classification Criteria 13 December 2019. Collection method: clinical testing. Allele origin: germline.
Comment: This variant was observed in the ICSL laboratory as part of a predisposition screen in an ostensibly healthy population. It had not been previously curated by ICSL or reported in the Human Gene Mutation Database (HGMD: prior to June 1st, 2018), and was therefore a candidate for classification through an automated scoring system. Utilizing variant allele frequency, disease prevalence and penetrance estimates, and inheritance mode, an automated score was calculated to assess if this variant is too frequent to cause the disease. Based on the score and internal cut-off values, a variant classified as likely benign is not then subjected to further curation. The score for this variant resulted in a classification of likely benign for this disease.

CeGaT Center for Human Genetics Tuebingen
Classification: Uncertain significance. Last evaluated: 2016-05-01. Review status: criteria provided, single submitter. Criteria: CeGaT Center For Human Genetics Tuebingen Variant Classification Criteria Version 2. Collection method: clinical testing. Allele origin: germline. Affected: yes. Observed: 1 variant allele.

Eurofins Ntd Llc (ga)
Classification: Likely benign. Last evaluated: 2015-09-09. Review status: criteria provided, single submitter. Criteria: EGL Classification Definitions 2015. Collection method: clinical testing. Allele origin: germline. Observed: 1 variant allele, 1 heterozygote.

Dr. Peter K. Rogan Lab, Western University
No classification provided (evidence only). Condition: Clear cell carcinoma of kidney. Review status: no classification provided. Collection method: in vitro. Allele origin: not applicable. Functional consequence: retained intron. Not counted in ClinVar's aggregate classification.

Dr. Peter K. Rogan Lab, Western University
No classification provided (evidence only). Condition: Thyroid cancer, nonmedullary, 1. Review status: no classification provided. Collection method: in vitro. Allele origin: not applicable. Functional consequence: retained intron. Not counted in ClinVar's aggregate classification.

NM_213599.3(ANO5):c.680G>C (p.Gly227Ala)

Gene: ANO5 (anoctamin 5; plus strand). Cytogenetic location: 11p14.3.
Variant type: single nucleotide variant.
Coding change: c.680G>C on transcript NM_213599.3 (MANE Select); coding-DNA position 680, G replaced by C.
Protein change: p.Gly227Ala; replaces glycine 227 with alanine.
Molecular consequence: missense variant.
Genome position (GRCh38, 1-based): chr11:22,236,194, G>C. VCF-style: chr11-22236194-G-C. GRCh37 (hg19) VCF-style: chr11-22257740-G-C.
Other names: p.Gly227Ala; c.677G>C, p.Gly226Ala (NM_001142649.2); short protein forms G227A, G226A.
Identifiers: ClinVar variation 282496 (VCV000282496.72), dbSNP rs140903276, ClinGen allele CA5922992.